The following is an entry in ClinVar:

NM_023036.6(DNAI2):c.875G>A (p.Trp292Ter)

Gene: DNAI2 (dynein axonemal intermediate chain 2; plus strand). Cytogenetic location: 17q25.1.
Variant type: single nucleotide variant.
Coding change: c.875G>A on transcript NM_023036.6 (MANE Select); coding-DNA position 875, G replaced by A.
Protein change: p.Trp292Ter; replaces tryptophan 292 with a stop codon.
Molecular consequence: nonsense. On other transcripts: non-coding transcript variant (1).
Genome position (GRCh38, 1-based): chr17:74,301,056, G>A. VCF-style: chr17-74301056-G-A. GRCh37 (hg19) VCF-style: chr17-72297195-G-A.
Other names: c.875G>A, p.Trp292Ter (NM_001172810.3, NM_001353167.2); short protein forms W292*.
Identifiers: ClinVar variation 2031981 (VCV002031981.4), dbSNP rs2509737683, ClinGen allele CA400909031.

ClinVar aggregate classification (germline): Pathogenic (1 of 4 stars; one submission).

Conditions:
Primary ciliary dyskinesia. Also called: Ciliary dyskinesia. Identifiers: Orphanet 244, MedGen C0008780, MONDO:0016575, HP:0012265.

Allele frequency attached by ClinVar (database versions not stated): gnomAD exomes below 0.00001.
gnomAD v4.1: 3 of 1,613,940 alleles (0.00019%); highest among the groups gnomAD compares: Non-Finnish European, 0.00025%; no homozygotes.

Submission:

Labcorp Genetics (formerly Invitae), Labcorp
Classification: Pathogenic for Primary ciliary dyskinesia. Last evaluated: 2022-09-23. Review status: criteria provided, single submitter. Criteria: Invitae Variant Classification Sherloc (09022015). Collection method: clinical testing. Allele origin: germline.
Comment: For these reasons, this variant has been classified as Pathogenic. This variant has not been reported in the literature in individuals affected with DNAI2-related conditions. This variant is not present in population databases (gnomAD no frequency). This sequence change creates a premature translational stop signal (p.Trp292*) in the DNAI2 gene. It is expected to result in an absent or disrupted protein product. Loss-of-function variants in DNAI2 are known to be pathogenic (PMID: 18950741, 23891469).

Literature cited by the submitters: PubMed 18950741; PubMed 23891469.